The following is an entry in ClinVar:

ClinVar aggregate classification (germline): Uncertain significance (1 of 4 stars; one submission).

Conditions:
Immunodeficiency due to CD25 deficiency. Also called: IL2RA DEFICIENCY; IMMUNODEFICIENCY 41 WITH LYMPHOPROLIFERATION AND AUTOIMMUNITY; CD25 DEFICIENCY. Identifiers: Orphanet 169100, MedGen C1853392, MONDO:0011664, OMIM 606367.

Allele frequency attached by ClinVar (database versions not stated): ExAC 0.00002; gnomAD exomes 0.00002; TOPMed 0.00002; ESP Exome Variant Server 0.00015.
gnomAD v4.1: 38 of 1,613,370 alleles (0.0024%); highest among the groups gnomAD compares: Non-Finnish European, 0.0028%; no homozygotes.

Submission:

Labcorp Genetics (formerly Invitae), Labcorp
Classification: Uncertain significance for Immunodeficiency due to CD25 deficiency. Last evaluated: 2022-08-22. Review status: criteria provided, single submitter. Criteria: Invitae Variant Classification Sherloc (09022015). Collection method: clinical testing. Allele origin: germline.
Comment: This sequence change replaces proline, which is neutral and non-polar, with leucine, which is neutral and non-polar, at codon 29 of the IL2RA protein (p.Pro29Leu). This variant is present in population databases (rs148505161, gnomAD 0.004%). This variant has not been reported in the literature in individuals affected with IL2RA-related conditions. ClinVar contains an entry for this variant (Variation ID: 1011504). Algorithms developed to predict the effect of missense changes on protein structure and function are either unavailable or do not agree on the potential impact of this missense change (SIFT: "Deleterious"; PolyPhen-2: "Possibly Damaging"; Align-GVGD: "Class C0"). In summary, the available evidence is currently insufficient to determine the role of this variant in disease. Therefore, it has been classified as a Variant of Uncertain Significance.

NM_000417.3(IL2RA):c.86C>T (p.Pro29Leu)

Gene: IL2RA (interleukin 2 receptor subunit alpha; minus strand). Cytogenetic location: 10p15.1.
Variant type: single nucleotide variant.
Coding change: c.86C>T on transcript NM_000417.3 (MANE Select); coding-DNA position 86, C replaced by T.
Protein change: p.Pro29Leu; replaces proline 29 with leucine.
Molecular consequence: missense variant.
Genome position (GRCh38, 1-based): chr10:6,026,004, G>A on the plus strand (C>T on the coding strand, the complement: IL2RA is on the minus strand). VCF-style: chr10-6026004-G-A. GRCh37 (hg19) VCF-style: chr10-6067967-G-A.
Other names: c.86C>T, p.Pro29Leu (NM_001308242.2, NM_001308243.2); short protein forms P29L.
Identifiers: ClinVar variation 1011504 (VCV001011504.6), dbSNP rs148505161, ClinGen allele CA5397547.